The following is an entry in ClinVar:

NM_000137.4(FAH):c.484del (p.Arg162fs)

Gene: FAH (fumarylacetoacetate hydrolase; plus strand). Cytogenetic location: 15q25.1.
Variant type: Deletion.
Coding change: c.484del on transcript NM_000137.4 (MANE Select); coding-DNA position 484, one base deleted (C; older notation c.484delC).
Protein change: p.Arg162fs; shifts the reading frame from arginine 162.
Molecular consequence: frameshift variant.
Genome position (GRCh38, 1-based): chr15:80,168,080, C deleted; the last of 2 consecutive C bases (chr15:80,168,079-80,168,080); deleting either gives the same sequence. VCF-style (leftmost placement, unchanged base first): chr15-80168078-GC-G. GRCh37 (hg19) VCF-style: chr15-80460420-GC-G.
Other names: c.484del, p.Arg162fs (NM_001374377.1, NM_001374380.1); short protein forms R162fs.
Identifiers: ClinVar variation 1458313 (VCV001458313.6), dbSNP rs2142097906, ClinGen allele CA2573151203.

ClinVar aggregate classification (germline): Pathogenic (1 of 4 stars; one submission).

Conditions:
Tyrosinemia type I (TYRSN1). Also called: HEPATORENAL TYROSINEMIA; FAH DEFICIENCY; Tyrosinemia type 1; Fumarylacetoacetase deficiency; Deficiency of fumarylacetoacetase. Identifiers: Orphanet 882, MedGen C0268490, MONDO:0010161, OMIM 276700. Disease mechanism: loss of function.

Submission:

Labcorp Genetics (formerly Invitae), Labcorp
Classification: Pathogenic for Tyrosinemia type I. Last evaluated: 2021-06-18. Review status: criteria provided, single submitter. Criteria: Invitae Variant Classification Sherloc (09022015). Collection method: clinical testing. Allele origin: germline.
Comment: For these reasons, this variant has been classified as Pathogenic. This variant has not been reported in the literature in individuals with FAH-related conditions. This variant is not present in population databases (ExAC no frequency). This sequence change creates a premature translational stop signal (p.Arg162Valfs*19) in the FAH gene. It is expected to result in an absent or disrupted protein product. Loss-of-function variants in FAH are known to be pathogenic (PMID: 9101289, 9633815).

Literature cited by the submitters: PubMed 9101289; PubMed 9633815.